The following is an entry in ClinVar:

NM_005188.4(CBL):c.316A>G (p.Met106Val)

Gene: CBL (Cbl proto-oncogene; plus strand). Cytogenetic location: 11q23.3.
Variant type: single nucleotide variant.
Coding change: c.316A>G on transcript NM_005188.4 (MANE Select); coding-DNA position 316, A replaced by G.
Protein change: p.Met106Val; replaces methionine 106 with valine.
Molecular consequence: missense variant.
Genome position (GRCh38, 1-based): chr11:119,232,568, A>G. VCF-style: chr11-119232568-A-G. GRCh37 (hg19) VCF-style: chr11-119103278-A-G.
Other names: short protein forms M106V.
Identifiers: ClinVar variation 4825178 (VCV004825178.1).
Genomic context (GRCh38, chr11:119,232,568, plus strand): 5'-GACCTGCTACCAGATACCTACCAGCATCTCCGTACTATCTTGTCAAGATATGAGGGGAAG[A>G]TGGAGACACTTGGAGAAAATGAGTATTTTAGGGTGTTTATGGAGAATTTGATGAAGAAAA-3'
Protein context (NP_005179.2, residues 96-116): RTILSRYEGK[Met106Val]ETLGENEYFR

ClinVar aggregate classification (germline): Uncertain significance (1 of 4 stars; one submission).

Conditions:
Cardiovascular phenotype. Identifiers: MedGen CN230736.

Submission:

Ambry Genetics
Classification: Uncertain significance for Cardiovascular phenotype. Last evaluated: 2026-02-19. Review status: criteria provided, single submitter. Criteria: Ambry Variant Classification Scheme 2023. Collection method: clinical testing. Allele origin: germline.
Comment: The p.M106V variant (also known as c.316A>G), located in coding exon 2 of the CBL gene, results from an A to G substitution at nucleotide position 316. The methionine at codon 106 is replaced by valine, an amino acid with highly similar properties. This amino acid position is conserved. In addition, this alteration is predicted to be deleterious by in silico analysis. Based on the available evidence, the clinical significance of this variant remains unclear.